The following is an entry in ClinVar:

NM_000081.4(LYST):c.6712C>T (p.Arg2238Ter)

Gene: LYST (lysosomal trafficking regulator; minus strand). Cytogenetic location: 1q42.3.
Variant type: single nucleotide variant.
Coding change: c.6712C>T on transcript NM_000081.4 (MANE Select); coding-DNA position 6712, C replaced by T.
Protein change: p.Arg2238Ter; replaces arginine 2238 with a stop codon.
Molecular consequence: nonsense.
Genome position (GRCh38, 1-based): chr1:235,759,141, G>A on the plus strand (C>T on the coding strand, the complement: LYST is on the minus strand). VCF-style: chr1-235759141-G-A. GRCh37 (hg19) VCF-style: chr1-235922441-G-A.
Other names: c.6712C>T, p.Arg2238Ter (NM_001301365.1); short protein forms R2238*.
Identifiers: ClinVar variation 1705577 (VCV001705577.2), dbSNP rs2527805640, ClinGen allele CA344939762.
Genomic context (GRCh38, chr1:235,759,141, plus strand): 5'-CTGCAGATCCGTTCTGTGAAGGAAAAGCTAGCCCAAGGCTTGCAATAGTGCTGTGGCTTC[G>A]CTGGAAGGAGGCCAATCCCTTTAGGTAATCAGGTCGGCGTGGGCAGGACTCATCCCCAGG-3'

ClinVar aggregate classification (germline): Pathogenic/Likely pathogenic. Review status: criteria provided, multiple submitters, no conflicts (2 of 4 stars). 2 submissions from 2 submitters: Pathogenic (1); Likely pathogenic (1). Last evaluated 2024-05-02.

Conditions:
Chédiak-Higashi syndrome (CHS). Also called: Chediak-Higashi Syndrome. Identifiers: Orphanet 167, MedGen C0007965, MONDO:0008963, OMIM 214500.

Allele frequency attached by ClinVar (database versions not stated): gnomAD exomes below 0.00001.
gnomAD v4.1: 4 of 1,614,146 alleles (0.00025%); highest among the groups gnomAD compares: Non-Finnish European, 0.00034%; no homozygotes.

Submissions (2):

Fulgent Genetics
Classification: Likely pathogenic for Chédiak-Higashi syndrome. Last evaluated: 2024-05-02. Review status: criteria provided, single submitter. Criteria: ACMG Guidelines, 2015. Collection method: clinical testing. Allele origin: germline.

3billion
Classification: Pathogenic for Chédiak-Higashi syndrome. Last evaluated: 2022-09-01. Review status: criteria provided, single submitter. Criteria: ACMG Guidelines, 2015. Collection method: clinical testing. Allele origin: germline. Affected: yes. Observed: 1 homozygote.
Comment: The variant is not observed in the gnomAD v2.1.1 dataset. Stop-gained (nonsense) is predicted to result in a loss or disruption of normal protein function through nonsense-mediated decay (NMD) or protein truncation. Multiple pathogenic variants are reported downstream of the variant. The variant has been reported to be associated with LYST-related disorder (PMID: 30815890). Therefore, this variant is classified as Pathogenic according to the recommendation of ACMG/AMP guideline.

Literature cited by the submitters: PubMed 30815890 (cited by 3billion).